The following is an entry in ClinVar:

ClinVar aggregate classification (germline): Pathogenic (1 of 4 stars; one submission).

Conditions:
HYPERHOMOCYSTEINEMIA, THROMBOTIC, CBS-RELATED. Identifiers: MedGen C3150344, OMIM 236200.

Submission:

Labcorp Genetics (formerly Invitae), Labcorp
Classification: Pathogenic for HYPERHOMOCYSTEINEMIA, THROMBOTIC, CBS-RELATED. Last evaluated: 2023-11-18. Review status: criteria provided, single submitter. Criteria: Invitae Variant Classification Sherloc (09022015). Collection method: clinical testing. Allele origin: germline.
Comment: This sequence change creates a premature translational stop signal (p.Cys272Serfs*57) in the CBS gene. It is expected to result in an absent or disrupted protein product. Loss-of-function variants in CBS are known to be pathogenic (PMID: 10338090, 12124992). This variant is not present in population databases (gnomAD no frequency). This variant has not been reported in the literature in individuals affected with CBS-related conditions. For these reasons, this variant has been classified as Pathogenic.

Literature cited by the submitters: PubMed 10338090; PubMed 12124992.

NM_000071.3(CBS):c.815_816del (p.Cys272fs)

Gene: CBS (cystathionine beta-synthase; minus strand). Cytogenetic location: 21q22.3.
Variant type: Microsatellite.
Coding change: c.815_816del on transcript NM_000071.3 (MANE Select); coding-DNA positions 815 to 816, 2 bases deleted (GT; older notation c.815_816delGT).
Protein change: p.Cys272fs; shifts the reading frame from cysteine 272.
Molecular consequence: frameshift variant.
Genome position (GRCh38, 1-based): chr21:43,063,912-43,063,913, AC deleted on the plus strand (GT on the coding strand, the reverse complement: CBS is on the minus strand); deleting any 2 consecutive bases within chr21:43,063,912-43,063,915 gives the same sequence; the c. name uses the placement nearest the transcript's 3' end. VCF-style (leftmost placement, unchanged base first): chr21-43063911-GAC-G. GRCh37 (hg19) VCF-style: chr21-44484021-GAC-G.
Other names: c.815_816del, p.Cys272fs (NM_001178009.3, NM_001320298.2, NM_001178008.3); c.500_501del, p.Cys167fs (NM_001321072.1); short protein forms C272fs, C167fs.
Identifiers: ClinVar variation 2696928 (VCV002696928.3), dbSNP rs2517436400, ClinGen allele CA2697547538.